The following is an entry in ClinVar:

ClinVar aggregate classification (germline): Uncertain significance (1 of 4 stars; one submission).

Allele frequency attached by ClinVar (database versions not stated): gnomAD exomes below 0.00001 and 0.00001.
gnomAD v4.1: 2 of 1,613,918 alleles (0.00012%); highest among the groups gnomAD compares: East Asian, 0.0022%; no homozygotes.

Submission:

Labcorp Genetics (formerly Invitae), Labcorp
Classification: Uncertain significance. Last evaluated: 2021-04-11. Review status: criteria provided, single submitter. Criteria: Invitae Variant Classification Sherloc (09022015). Collection method: clinical testing. Allele origin: germline.
Comment: Experimental studies and prediction algorithms are not available or were not evaluated, and the functional significance of this variant is currently unknown. This variant has not been reported in the literature in individuals with HTT-related conditions. This variant is not present in population databases (ExAC no frequency). This sequence change replaces leucine with valine at codon 2881 of the HTT protein (p.Leu2881Val). The leucine residue is moderately conserved and there is a small physicochemical difference between leucine and valine. In summary, the available evidence is currently insufficient to determine the role of this variant in disease. Therefore, it has been classified as a Variant of Uncertain Significance.

NM_001388492.1(HTT):c.8635C>G (p.Leu2879Val)

Gene: HTT (huntingtin; plus strand). Cytogenetic location: 4p16.3.
Variant type: single nucleotide variant.
Coding change: c.8635C>G on transcript NM_001388492.1 (MANE Select); coding-DNA position 8635, C replaced by G.
Protein change: p.Leu2879Val; replaces leucine 2879 with valine.
Molecular consequence: missense variant.
Genome position (GRCh38, 1-based): chr4:3,235,628, C>G. VCF-style: chr4-3235628-C-G. GRCh37 (hg19) VCF-style: chr4-3237355-C-G.
Other names: c.8641C>G, p.Leu2881Val (NM_002111.8); short protein forms L2881V, L2879V.
Identifiers: ClinVar variation 1373092 (VCV001373092.6), dbSNP rs955098270, ClinGen allele CA91466624.